The following is an entry in ClinVar:

ClinVar aggregate classification (germline): Uncertain significance. Review status: criteria provided, multiple submitters, no conflicts (2 of 4 stars). 2 submissions from 2 submitters: Uncertain significance (2). Last evaluated 2026-01-27.

Conditions:
Duchenne muscular dystrophy (DMD). Also called: MUSCULAR DYSTROPHY, PSEUDOHYPERTROPHIC PROGRESSIVE, DUCHENNE TYPE; Duchenne Muscular Dystrophy (DMD). Identifiers: Orphanet 98896, MedGen C0013264, MONDO:0010679, OMIM 310200.

Submissions (2):

Labcorp Genetics (formerly Invitae), Labcorp
Classification: Uncertain significance for Duchenne muscular dystrophy. Last evaluated: 2026-01-27. Review status: criteria provided, single submitter. Criteria: Invitae Variant Classification Sherloc (09022015). Collection method: clinical testing. Allele origin: germline.
Comment: This sequence change replaces cysteine, which is neutral and slightly polar, with arginine, which is basic and polar, at codon 2196 of the DMD protein (p.Cys2196Arg). This variant is not present in population databases (gnomAD no frequency). This variant has not been reported in the literature in individuals affected with DMD-related conditions. ClinVar contains an entry for this variant (Variation ID: 197523). Invitae Evidence Modeling of protein sequence and biophysical properties (such as structural, functional, and spatial information, amino acid conservation, physicochemical variation, residue mobility, and thermodynamic stability) indicates that this missense variant is not expected to disrupt DMD protein function with a negative predictive value of 95%. In summary, the available evidence is currently insufficient to determine the role of this variant in disease. Therefore, it has been classified as a Variant of Uncertain Significance.

Eurofins Ntd Llc (ga)
Classification: Uncertain significance. Last evaluated: 2014-10-14. Review status: criteria provided, single submitter. Criteria: EGL Classification Definitions 2015. Collection method: clinical testing. Allele origin: germline. Observed: 1 variant allele, 1 heterozygote.

NM_004006.3(DMD):c.6586T>C (p.Cys2196Arg)

Gene: DMD (dystrophin; minus strand). Cytogenetic location: Xp21.1.
Variant type: single nucleotide variant.
Coding change: c.6586T>C on transcript NM_004006.3 (MANE Select); coding-DNA position 6586, T replaced by C.
Protein change: p.Cys2196Arg; replaces cysteine 2196 with arginine.
Molecular consequence: missense variant. On other transcripts: 5 prime UTR variant (5).
Genome position (GRCh38, 1-based): chrX:31,968,367, A>G on the plus strand (T>C on the coding strand, the complement: DMD is on the minus strand). VCF-style: chrX-31968367-A-G. GRCh37 (hg19) VCF-style: chrX-31986484-A-G.
Other names: c.6562T>C, p.Cys2188Arg (NM_000109.4); c.6574T>C, p.Cys2192Arg (NM_004009.3); c.6217T>C, p.Cys2073Arg (NM_004010.3); c.2563T>C, p.Cys855Arg (NM_004011.4); c.2554T>C, p.Cys852Arg (NM_004012.4); c.-795T>C (NM_004013.3, NM_004020.4, NM_004021.3 and 2 more transcripts); short protein forms C2196R, C855R, C2073R, C2188R, C2192R, C852R.
Identifiers: ClinVar variation 197523 (VCV000197523.8), dbSNP rs794727677, ClinGen allele CA245728.